The following is an entry in ClinVar:

ClinVar aggregate classification (germline): Uncertain significance. Review status: criteria provided, multiple submitters, no conflicts (2 of 4 stars). 4 submissions from 4 submitters: Uncertain significance (3). 1 of the submissions does not count toward it. Last evaluated 2026-03-03.

Conditions:
Hereditary cancer-predisposing syndrome. Also called: Tumor predisposition; Hereditary neoplastic syndrome; Hereditary Cancer Syndrome; Neoplastic Syndromes, Hereditary. Identifiers: Orphanet 140162, MedGen C0027672, MeSH D009386, MONDO:0015356.
Fumarase deficiency (FMRD). Also called: Fumarate Hydratase Deficiency; Fumaric aciduria. Identifiers: Orphanet 24, MedGen C0342770, MONDO:0011730, OMIM 606812.

Submissions (4):

Ambry Genetics
Classification: Uncertain significance for Hereditary cancer-predisposing syndrome. Last evaluated: 2026-03-03. Review status: criteria provided, single submitter. Criteria: Ambry Variant Classification Scheme 2023. Collection method: clinical testing. Allele origin: germline.
Comment: The p.M388T variant (also known as c.1163T>C), located in coding exon 8 of the FH gene, results from a T to C substitution at nucleotide position 1163. The methionine at codon 388 is replaced by threonine, an amino acid with similar properties. This amino acid position is highly conserved in available vertebrate species. In addition, this alteration is predicted to be deleterious by in silico analysis. Based on the available evidence, the clinical significance of this variant remains unclear.

Labcorp Genetics (formerly Invitae), Labcorp
Classification: Uncertain significance. Last evaluated: 2022-10-12. Review status: criteria provided, single submitter. Criteria: Invitae Variant Classification Sherloc (09022015). Collection method: clinical testing. Allele origin: germline.
Comment: This sequence change replaces methionine, which is neutral and non-polar, with threonine, which is neutral and polar, at codon 388 of the FH protein (p.Met388Thr). This variant is not present in population databases (gnomAD no frequency). This variant has not been reported in the literature in individuals affected with FH-related conditions. ClinVar contains an entry for this variant (Variation ID: 234068). Advanced modeling of protein sequence and biophysical properties (such as structural, functional, and spatial information, amino acid conservation, physicochemical variation, residue mobility, and thermodynamic stability) performed at Invitae indicates that this missense variant is expected to disrupt FH protein function. In summary, the available evidence is currently insufficient to determine the role of this variant in disease. Therefore, it has been classified as a Variant of Uncertain Significance.

GeneDx
Classification: Uncertain significance. Last evaluated: 2019-07-16. Review status: criteria provided, single submitter. Criteria: GeneDx Variant Classification Process June 2021. Collection method: clinical testing. Allele origin: germline. Affected: yes.
Comment: Not observed in large population cohorts (Lek et al., 2016); In silico analysis, which includes protein predictors and evolutionary conservation, supports a deleterious effect; Has not been previously published as pathogenic or benign to our knowledge

Natera, Inc.
Classification: Uncertain significance for Fumarase Deficiency. Last evaluated: 2021-08-31. Review status: no assertion criteria provided. Collection method: clinical testing. Allele origin: germline. Not counted in ClinVar's aggregate classification.

NM_000143.4(FH):c.1163T>C (p.Met388Thr)

Gene: FH (fumarate hydratase; minus strand). Cytogenetic location: 1q43.
Variant type: single nucleotide variant.
Coding change: c.1163T>C on transcript NM_000143.4 (MANE Select); coding-DNA position 1163, T replaced by C.
Protein change: p.Met388Thr; replaces methionine 388 with threonine.
Molecular consequence: missense variant.
Genome position (GRCh38, 1-based): chr1:241,502,516, A>G on the plus strand (T>C on the coding strand, the complement: FH is on the minus strand). VCF-style: chr1-241502516-A-G. GRCh37 (hg19) VCF-style: chr1-241665816-A-G.
Other names: short protein forms M388T.
Identifiers: ClinVar variation 234068 (VCV000234068.17), dbSNP rs876660830, ClinGen allele CA10577684.